The following is an entry in ClinVar:

NM_014806.5(RUSC2):c.4450T>C (p.Trp1484Arg)

Gene: RUSC2 (RUN and SH3 domain containing 2; plus strand). Cytogenetic location: 9p13.3.
Variant type: single nucleotide variant.
Coding change: c.4450T>C on transcript NM_014806.5 (MANE Select); coding-DNA position 4450, T replaced by C.
Protein change: p.Trp1484Arg; replaces tryptophan 1484 with arginine.
Molecular consequence: missense variant. On other transcripts: non-coding transcript variant (1).
Genome position (GRCh38, 1-based): chr9:35,561,281, T>C. VCF-style: chr9-35561281-T-C. GRCh37 (hg19) VCF-style: chr9-35561278-T-C.
Other names: c.4450T>C, p.Trp1484Arg (NM_001135999.2); c.1816T>C, p.Trp606Arg (NM_001330740.2); short protein forms W1484R, W606R.
Identifiers: ClinVar variation 1676551 (VCV001676551.5), dbSNP rs762700848, ClinGen allele CA5044407.
Genomic context (GRCh38, chr9:35,561,281, plus strand): 5'-GGACAGCTGAGCTTCCACAAAGGAGACATCCTACGAGTGCTGGGGCGAGCTGGAGGAGAC[T>C]GGCTGCGCTGCAGCCGTGGCCCCGACTCTGGCCTGGTGCCCCTGGCCTACGTGACATTGA-3'
Protein context (NP_055621.2, residues 1474-1494): LRVLGRAGGD[Trp1484Arg]LRCSRGPDSG

ClinVar aggregate classification (germline): Uncertain significance. Review status: criteria provided, multiple submitters, no conflicts (2 of 4 stars). 2 submissions from 2 submitters: Uncertain significance (2). Last evaluated 2024-08-01.

Allele frequency attached by ClinVar (database versions not stated): gnomAD exomes 0.00002 and 0.00003; gnomAD 0.00003 and 0.00004; TOPMed 0.00003; ExAC 0.00004.
gnomAD v4.1: 36 of 1,613,984 alleles (0.0022%); highest among the groups gnomAD compares: Non-Finnish European, 0.0031%; no homozygotes.

Submissions (2):

Ambry Genetics
Classification: Uncertain significance. Last evaluated: 2024-08-01. Review status: criteria provided, single submitter. Criteria: Ambry Variant Classification Scheme 2023. Collection method: clinical testing. Allele origin: germline.

Greenwood Genetic Center Diagnostic Laboratories, Greenwood Genetic Center
Classification: Uncertain significance. Last evaluated: 2022-01-25. Review status: criteria provided, single submitter. Criteria: ACMG Guidelines, 2015. Collection method: clinical testing. Allele origin: germline. Affected: yes.
Comment: PP3, PM2